The following is an entry in ClinVar:

NM_014391.3(ANKRD1):c.750+17G>A

Gene: ANKRD1 (ankyrin repeat domain 1; minus strand). Cytogenetic location: 10q23.31.
Variant type: single nucleotide variant.
Coding change: c.750+17G>A on transcript NM_014391.3 (MANE Select); 17 bases into the intron after coding-DNA position 750, G replaced by A.
Molecular consequence: intron variant.
Genome position (GRCh38, 1-based): chr10:90,915,765, C>T on the plus strand (G>A on the coding strand, the complement: ANKRD1 is on the minus strand). VCF-style: chr10-90915765-C-T. GRCh37 (hg19) VCF-style: chr10-92675522-C-T.
Identifiers: ClinVar variation 377487 (VCV000377487.16), dbSNP rs373898620, ClinGen allele CA5598626.

ClinVar aggregate classification (germline): Benign/Likely benign. Review status: criteria provided, multiple submitters, no conflicts (2 of 4 stars). 7 submissions from 7 submitters: Benign (1); Likely benign (2). 4 of the submissions do not count toward it. Last evaluated 2025-12-24.

Conditions:
ANKRD1-related dilated cardiomyopathy. Identifiers: MedGen CN119551.

Allele frequency attached by ClinVar (database versions not stated): gnomAD 0.00009 and 0.00010; ESP Exome Variant Server 0.00015; TOPMed 0.00015.

Submissions (7):

Labcorp Genetics (formerly Invitae), Labcorp
Classification: Likely benign for ANKRD1-related dilated cardiomyopathy. Last evaluated: 2025-12-24. Review status: criteria provided, single submitter. Criteria: Invitae Variant Classification Sherloc (09022015). Collection method: clinical testing. Allele origin: germline.

Women's Health and Genetics/Laboratory Corporation of America, LabCorp
Classification: Benign. Last evaluated: 2023-12-10. Review status: criteria provided, single submitter. Criteria: LabCorp Variant Classification Summary - May 2015. Collection method: clinical testing. Allele origin: germline.

GeneDx
Classification: Likely benign. Last evaluated: 2016-10-26. Review status: criteria provided, single submitter. Criteria: GeneDx Variant Classification (06012015). Collection method: clinical testing. Allele origin: germline. Affected: yes.
Comment: This variant is considered likely benign or benign based on one or more of the following criteria: it is a conservative change, it occurs at a poorly conserved position in the protein, it is predicted to be benign by multiple in silico algorithms, and/or has population frequency not consistent with disease.

Clinical Genetics, Academic Medical Center
Classification: Benign. Review status: no assertion criteria provided. Collection method: clinical testing. Allele origin: germline. Affected: yes. Study: VKGL Data-share Consensus. Not counted in ClinVar's aggregate classification.

Diagnostic Laboratory, Department of Genetics, University Medical Center Groningen
Classification: Likely benign. Review status: no assertion criteria provided. Collection method: clinical testing. Allele origin: germline. Affected: yes. Study: VKGL Data-share Consensus. Not counted in ClinVar's aggregate classification.

Genome Diagnostics Laboratory, University Medical Center Utrecht
Classification: Likely benign. Review status: no assertion criteria provided. Collection method: clinical testing. Allele origin: germline. Affected: yes. Study: VKGL Data-share Consensus. Not counted in ClinVar's aggregate classification.

Joint Genome Diagnostic Labs from Nijmegen and Maastricht, Radboudumc and MUMC+
Classification: Likely benign. Review status: no assertion criteria provided. Collection method: clinical testing. Allele origin: germline. Affected: yes. Study: VKGL Data-share Consensus. Not counted in ClinVar's aggregate classification.